The following is an entry in ClinVar:

NM_000287.4(PEX6):c.658G>C (p.Gly220Arg)

Gene: PEX6 (peroxisomal biogenesis factor 6; minus strand). Cytogenetic location: 6p21.1.
Variant type: single nucleotide variant.
Coding change: c.658G>C on transcript NM_000287.4 (MANE Select); coding-DNA position 658, G replaced by C.
Protein change: p.Gly220Arg; replaces glycine 220 with arginine.
Molecular consequence: missense variant. On other transcripts: non-coding transcript variant (1), intron variant (1).
Genome position (GRCh38, 1-based): chr6:42,978,493, C>G on the plus strand (G>C on the coding strand, the complement: PEX6 is on the minus strand). VCF-style: chr6-42978493-C-G. GRCh37 (hg19) VCF-style: chr6-42946231-C-G.
Other names: c.618+40G>C (NM_001316313.2); short protein forms G220R.
Identifiers: ClinVar variation 1931669 (VCV001931669.3), dbSNP rs1171786418, ClinGen allele CA364162943.
Genomic context (GRCh38, chr6:42,978,493, plus strand): 5'-CCAAGTGCGGCTGTGAAGTGTTCGATGACTCTCTGGCCTGGGCCACCCACACCCATTCGC[C>G]CTGGAAGAGGCCAAGGCCACGGAGACAGCTCCGGCTCACCCCTAGTGAATCTCCAGTCCC-3'
Protein context (NP_000278.3, residues 210-230): SCLRGLGLFQ[Gly220Arg]EWVWVAQARE

ClinVar aggregate classification (germline): Uncertain significance (1 of 4 stars; one submission).

Conditions:
Peroxisome biogenesis disorder. Identifiers: Orphanet 79189, MedGen C1832200, MONDO:0019234. Disease mechanism: loss of function.

Submission:

Labcorp Genetics (formerly Invitae), Labcorp
Classification: Uncertain significance for Peroxisome biogenesis disorder. Last evaluated: 2021-12-24. Review status: criteria provided, single submitter. Criteria: Invitae Variant Classification Sherloc (09022015). Collection method: clinical testing. Allele origin: germline.
Comment: In summary, the available evidence is currently insufficient to determine the role of this variant in disease. Therefore, it has been classified as a Variant of Uncertain Significance. Algorithms developed to predict the effect of missense changes on protein structure and function are either unavailable or do not agree on the potential impact of this missense change (SIFT: "Tolerated"; PolyPhen-2: "Probably Damaging"; Align-GVGD: "Class C0"). This variant has not been reported in the literature in individuals affected with PEX6-related conditions. This variant is not present in population databases (gnomAD no frequency). This sequence change replaces glycine, which is neutral and non-polar, with arginine, which is basic and polar, at codon 220 of the PEX6 protein (p.Gly220Arg).